The following is an entry in ClinVar:

NM_012210.4(TRIM32):c.*129C>T

Genes: ASTN2 (astrotactin 2; minus strand), TRIM32 (tripartite motif containing 32; plus strand). Cytogenetic location: 9q33.1.
Variant type: single nucleotide variant.
Coding change: c.*129C>T on transcript NM_012210.4 (MANE Select); 129 bases downstream of the stop codon, C replaced by T.
Molecular consequence: 3 prime UTR variant. On other transcripts: intron variant (3).
Genome position (GRCh38, 1-based): chr9:116,699,833, C>T. VCF-style: chr9-116699833-C-T. GRCh37 (hg19) VCF-style: chr9-119462112-C-T.
Other names: c.*129C>T (NM_001099679.2, NM_001379048.1, NM_001379049.1 and 1 more transcripts); c.2653+25938G>A (NM_014010.5); c.2794+25938G>A (NM_001365069.1); c.2806+25938G>A (NM_001365068.1).
Identifiers: ClinVar variation 364723 (VCV000364723.9), dbSNP rs3019, ClinGen allele CA10628864.

ClinVar aggregate classification (germline): Benign. Review status: criteria provided, multiple submitters, no conflicts (2 of 4 stars). 4 submissions from 3 submitters: Benign (4). Last evaluated 2018-06-14.

Conditions:
Bardet-Biedl syndrome 11 (BBS11). Identifiers: Orphanet 110, MedGen C1859569, MONDO:0014439, OMIM 615988.
Sarcotubular myopathy (LGMDR8). Also called: Limb-girdle muscular dystrophy, type 2H; Hutterite type of muscular dystrophy; Autosomal recessive limb-girdle muscular dystrophy type 2H; MUSCULAR DYSTROPHY, LIMB-GIRDLE, AUTOSOMAL RECESSIVE 8. Identifiers: Orphanet 1878, MedGen C0270968, MONDO:0009683, OMIM 254110.

Allele frequency attached by ClinVar (database versions not stated): gnomAD exomes 0.92018; TOPMed 0.93848; gnomAD 0.93884 and 0.93964; 1000 Genomes Project 30x 0.94769; 1000 Genomes Project 0.94908.
gnomAD v4.1: 1,153,417 of 1,250,184 alleles (92%); highest among the groups gnomAD compares: African/African-American, 98%; 532,553 homozygotes.

Submissions (4):

GeneDx
Classification: Benign. Last evaluated: 2018-06-14. Review status: criteria provided, single submitter. Criteria: GeneDx Variant Classification Process June 2021. Collection method: clinical testing. Allele origin: germline. Affected: yes.

Illumina Laboratory Services, Illumina
Classification: Benign for Bardet-Biedl syndrome 11. Last evaluated: 2018-01-12. Review status: criteria provided, single submitter. Criteria: ICSL Variant Classification Criteria 13 December 2019. Collection method: clinical testing. Allele origin: germline.
Comment: This variant was observed in the ICSL laboratory as part of a predisposition screen in an ostensibly healthy population. It had not been previously curated by ICSL or reported in the Human Gene Mutation Database (HGMD: prior to June 1st, 2018), and was therefore a candidate for classification through an automated scoring system. Utilizing variant allele frequency, disease prevalence and penetrance estimates, and inheritance mode, an automated score was calculated to assess if this variant is too frequent to cause the disease. Based on the score and internal cut-off values, a variant classified as benign is not then subjected to further curation. The score for this variant resulted in a classification of benign for this disease.

Illumina Laboratory Services, Illumina
Classification: Benign for Sarcotubular myopathy. Last evaluated: 2018-01-12. Review status: criteria provided, single submitter. Criteria: ICSL Variant Classification Criteria 13 December 2019. Collection method: clinical testing. Allele origin: germline.
Comment: the same text as in the submission from Illumina Laboratory Services, Illumina above.

Breakthrough Genomics
Classification: Benign. Review status: criteria provided, single submitter. Criteria: ACMG Guidelines, 2015. Collection method: not provided. Allele origin: germline. Inheritance: Autosomal recessive inheritance. Affected: yes.